The following is an entry in ClinVar:

NM_005207.4(CRKL):c.788T>C (p.Ile263Thr)

Gene: CRKL (CRK like proto-oncogene, adaptor protein; plus strand). Cytogenetic location: 22q11.21.
Variant type: single nucleotide variant.
Coding change: c.788T>C on transcript NM_005207.4 (MANE Select); coding-DNA position 788, T replaced by C.
Protein change: p.Ile263Thr; replaces isoleucine 263 with threonine.
Molecular consequence: missense variant. On other transcripts: non-coding transcript variant (1).
Genome position (GRCh38, 1-based): chr22:20,949,721, T>C. VCF-style: chr22-20949721-T-C. GRCh37 (hg19) VCF-style: chr22-21304009-T-C.
Other names: c.788T>C (NM_005207.3); short protein forms I263T.
Identifiers: ClinVar variation 1494353 (VCV001494353.9), dbSNP rs1184315163, ClinGen allele CA410765848.

ClinVar aggregate classification (germline): Uncertain significance. Review status: criteria provided, multiple submitters, no conflicts (2 of 4 stars). 2 submissions from 2 submitters: Uncertain significance (2). Last evaluated 2025-10-29.

Allele frequency attached by ClinVar (database versions not stated): gnomAD exomes below 0.00001 and 0.00001; TOPMed below 0.00001.
gnomAD v4.1: 2 of 1,612,992 alleles (0.00012%); highest among the groups gnomAD compares: Admixed American, 0.0033%; no homozygotes.

Submissions (2):

Ambry Genetics
Classification: Uncertain significance. Last evaluated: 2025-10-29. Review status: criteria provided, single submitter. Criteria: Ambry Variant Classification Scheme 2023. Collection method: clinical testing. Allele origin: germline.

Labcorp Genetics (formerly Invitae), Labcorp
Classification: Uncertain significance. Last evaluated: 2024-02-24. Review status: criteria provided, single submitter. Criteria: Invitae Variant Classification Sherloc (09022015). Collection method: clinical testing. Allele origin: germline.
Comment: This sequence change replaces isoleucine, which is neutral and non-polar, with threonine, which is neutral and polar, at codon 263 of the CRKL protein (p.Ile263Thr). This variant is present in population databases (no rsID available, gnomAD 0.003%). This variant has not been reported in the literature in individuals affected with CRKL-related conditions. ClinVar contains an entry for this variant (Variation ID: 1494353). An algorithm developed to predict the effect of missense changes on protein structure and function (PolyPhen-2) suggests that this variant is likely to be tolerated. In summary, the available evidence is currently insufficient to determine the role of this variant in disease. Therefore, it has been classified as a Variant of Uncertain Significance.